The following is an entry in ClinVar:

ClinVar aggregate classification (germline): Uncertain significance (1 of 4 stars; one submission).

Conditions:
Polyglandular autoimmune syndrome, type 1 (APS1). Also called: AUTOIMMUNE POLYENDOCRINE SYNDROME, TYPE I, WITH OR WITHOUT REVERSIBLE METAPHYSEAL DYSPLASIA; Autoimmune polyendocrine syndrome type 1; APS I; Autoimmune polyendocrinopathy syndrome , type I, with or without reversible metaphyseal dysplasia; HYPOADRENOCORTICISM WITH HYPOPARATHYROIDISM AND SUPERFICIAL MONILIASIS; PGA I. Identifiers: Orphanet 3453, MedGen C0085859, MONDO:0009411, OMIM 240300.

gnomAD v4.1: 1 of 1,596,582 alleles (0.000063%); highest among the groups gnomAD compares: Non-Finnish European, 0.000085%; no homozygotes.

Submission:

Labcorp Genetics (formerly Invitae), Labcorp
Classification: Uncertain significance for Polyglandular autoimmune syndrome, type 1. Last evaluated: 2022-12-23. Review status: criteria provided, single submitter. Criteria: Invitae Variant Classification Sherloc (09022015). Collection method: clinical testing. Allele origin: germline.
Comment: In summary, the available evidence is currently insufficient to determine the role of this variant in disease. Therefore, it has been classified as a Variant of Uncertain Significance. Advanced modeling of protein sequence and biophysical properties (such as structural, functional, and spatial information, amino acid conservation, physicochemical variation, residue mobility, and thermodynamic stability) performed at Invitae indicates that this missense variant is not expected to disrupt AIRE protein function. This sequence change replaces arginine, which is basic and polar, with proline, which is neutral and non-polar, at codon 465 of the AIRE protein (p.Arg465Pro). This variant is not present in population databases (gnomAD no frequency). This variant has not been reported in the literature in individuals affected with AIRE-related conditions.

NM_000383.4(AIRE):c.1394G>C (p.Arg465Pro)

Gene: AIRE (autoimmune regulator; plus strand). Cytogenetic location: 21q22.3.
Variant type: single nucleotide variant.
Coding change: c.1394G>C on transcript NM_000383.4 (MANE Select); coding-DNA position 1394, G replaced by C.
Protein change: p.Arg465Pro; replaces arginine 465 with proline.
Molecular consequence: missense variant.
Genome position (GRCh38, 1-based): chr21:44,293,904, G>C. VCF-style: chr21-44293904-G-C. GRCh37 (hg19) VCF-style: chr21-45713787-G-C.
Other names: short protein forms R465P.
Identifiers: ClinVar variation 2849400 (VCV002849400.3), dbSNP rs139835427, ClinGen allele CA410425827.